The following is an entry in ClinVar:

NM_020879.3(CCDC146):c.1339dup (p.Glu447fs)

Gene: CCDC146 (coiled-coil domain containing 146; plus strand). Cytogenetic location: 7q11.23.
Variant type: Duplication.
Coding change: c.1339dup on transcript NM_020879.3 (MANE Select); coding-DNA position 1339, one base duplicated (G; older notation c.1339dupG).
Protein change: p.Glu447fs; shifts the reading frame from glutamic acid 447.
Molecular consequence: frameshift variant.
Genome position (GRCh38, 1-based): chr7:77,274,551, G duplicated; the last of 2 consecutive G bases (chr7:77,274,550-77,274,551); duplicating either gives the same sequence. VCF-style (leftmost placement, unchanged base first): chr7-77274549-A-AG. GRCh37 (hg19) VCF-style: chr7-76903866-A-AG.
Other names: short protein forms E447fs.
Identifiers: ClinVar variation 5019562 (VCV005019562.2).

ClinVar aggregate classification (germline): Pathogenic (1 of 4 stars; one submission).

Conditions:
Spermatogenic failure 94. Identifiers: MedGen C5935627, MONDO:0971002, OMIM 620850.

Submission:

Juno Genomics, Hangzhou Juno Genomics, Inc
Classification: Pathogenic for Spermatogenic failure 94. Review status: criteria provided, single submitter. Criteria: ACMG Guidelines, 2015. Collection method: clinical testing. Allele origin: germline.
Comment: Absent from controls (or at extremely low frequency if recessive) in Genome Aggregation Database.;Null variant in a gene where loss of function (LOF) is a known mechanism of disease.;For recessive disorders, detected in trans with a pathogenic variant.